The following is an entry in ClinVar:

NM_000059.4(BRCA2):c.9699T>C (p.Cys3233=)

Gene: BRCA2 (BRCA2 DNA repair associated; plus strand). Cytogenetic location: 13q13.1.
Variant type: single nucleotide variant.
Coding change: c.9699T>C on transcript NM_000059.4 (MANE Select); coding-DNA position 9699, T replaced by C.
Protein change: p.Cys3233=; no amino-acid change (cysteine 3233 retained).
Molecular consequence: synonymous variant.
Genome position (GRCh38, 1-based): chr13:32,398,212, T>C. VCF-style: chr13-32398212-T-C. GRCh37 (hg19) VCF-style: chr13-32972349-T-C.
Identifiers: ClinVar variation 427449 (VCV000427449.16), dbSNP rs746413844, ClinGen allele CA6941441.

ClinVar aggregate classification (germline): Likely benign. Review status: reviewed by expert panel (3 of 4 stars). 3 submissions from 3 submitters: Likely benign (1). 2 of the submissions do not count toward it. Last evaluated 2017-06-29.

Conditions:
Hereditary cancer-predisposing syndrome. Also called: Hereditary neoplastic syndrome; Hereditary Cancer Syndrome; Neoplastic Syndromes, Hereditary; Tumor predisposition. Identifiers: Orphanet 140162, MedGen C0027672, MeSH D009386, MONDO:0015356.
Breast-ovarian cancer, familial, susceptibility to, 2 (BROVCA2). Also called: BRCA2 Hereditary Breast and Ovarian Cancer. Identifiers: Orphanet 145, MedGen C2675520, MONDO:0012933, OMIM 612555. Disease mechanism: loss of function.
Hereditary breast ovarian cancer syndrome. Also called: Hereditary breast and ovarian cancer syndrome; BRCA1- and BRCA2-Associated Hereditary Breast and Ovarian Cancer; Hereditary breast and/or ovarian cancer syndrome; Hereditary breast and ovarian cancer; Breast and ovarian cancer; Hereditary breast and ovarian cancer syndrome (HBOC). Identifiers: Orphanet 145, MedGen C0677776, MeSH D061325, MONDO:0003582. Disease mechanism: loss of function.

Allele frequency attached by ClinVar (database versions not stated): gnomAD exomes below 0.00001 and 0.00001; ExAC 0.00002.
gnomAD v4.1: 1 of 1,612,948 alleles (0.000062%); highest among the groups gnomAD compares: Non-Finnish European, 0.000085%; no homozygotes.

Submissions (3):

Evidence-based Network for the Interpretation of Germline Mutant Alleles (ENIGMA)
Classification: Likely benign for Breast-ovarian cancer, familial, susceptibility to, 2. Last evaluated: 2017-06-29. Review status: reviewed by expert panel. Criteria: ENIGMA BRCA1/2 Classification Criteria (2017-06-29). Collection method: curation. Allele origin: germline.
Comment: Synonymous substitution variant, with low bioinformatic likelihood to result in a splicing aberration (Splicing prior probability 0.02).

Ambry Genetics
Classification: Likely benign for Hereditary cancer-predisposing syndrome. Last evaluated: 2020-03-16. Review status: criteria provided, single submitter. Criteria: Ambry Variant Classification Scheme 2023. Collection method: clinical testing. Allele origin: germline. Not counted in ClinVar's aggregate classification.

Labcorp Genetics (formerly Invitae), Labcorp
Classification: Likely benign for Hereditary breast ovarian cancer syndrome. Last evaluated: 2020-01-16. Review status: criteria provided, single submitter. Criteria: Invitae Variant Classification Sherloc (09022015). Collection method: clinical testing. Allele origin: germline. Not counted in ClinVar's aggregate classification.